The following is an entry in ClinVar:

ClinVar aggregate classification (germline): Uncertain significance (1 of 4 stars; one submission).

Conditions:
RASopathy. Also called: Noonan spectrum disorder; rasopathies. Identifiers: Orphanet 536391, MedGen C5555857, MONDO:0021060.

Submission:

Labcorp Genetics (formerly Invitae), Labcorp
Classification: Uncertain significance for RASopathy. Last evaluated: 2024-05-20. Review status: criteria provided, single submitter. Criteria: Invitae Variant Classification Sherloc (09022015). Collection method: clinical testing. Allele origin: germline.
Comment: This sequence change replaces histidine, which is basic and polar, with arginine, which is basic and polar, at codon 85 of the PTPN11 protein (p.His85Arg). This variant is not present in population databases (gnomAD no frequency). This variant has not been reported in the literature in individuals affected with PTPN11-related conditions. Advanced modeling of protein sequence and biophysical properties (such as structural, functional, and spatial information, amino acid conservation, physicochemical variation, residue mobility, and thermodynamic stability) performed at Invitae indicates that this missense variant is expected to disrupt PTPN11 protein function with a positive predictive value of 80%. In summary, the available evidence is currently insufficient to determine the role of this variant in disease. Therefore, it has been classified as a Variant of Uncertain Significance.

NM_002834.5(PTPN11):c.254A>G (p.His85Arg)

Gene: PTPN11 (protein tyrosine phosphatase non-receptor type 11; plus strand). Cytogenetic location: 12q24.13.
Variant type: single nucleotide variant.
Coding change: c.254A>G on transcript NM_002834.5 (MANE Select); coding-DNA position 254, A replaced by G.
Protein change: p.His85Arg; replaces histidine 85 with arginine.
Molecular consequence: missense variant.
Genome position (GRCh38, 1-based): chr12:112,450,434, A>G. VCF-style: chr12-112450434-A-G. GRCh37 (hg19) VCF-style: chr12-112888238-A-G.
Other names: c.251A>G, p.His84Arg (NM_001374625.1); c.254A>G, p.His85Arg (NM_080601.3, NM_001330437.2); short protein forms H85R, H84R.
Identifiers: ClinVar variation 3637657 (VCV003637657.2).